The following is an entry in ClinVar:

ClinVar aggregate classification (germline): Uncertain significance. Review status: criteria provided, multiple submitters, no conflicts (2 of 4 stars). 2 submissions from 2 submitters: Uncertain significance (2). Last evaluated 2025-05-01.

Conditions:
Inborn genetic diseases. Identifiers: MedGen C0950123, MeSH D030342.

gnomAD v4.1: 3 of 1,613,820 alleles (0.00019%); highest among the groups gnomAD compares: Admixed American, 0.005%; no homozygotes.

Submissions (2):

Ambry Genetics
Classification: Uncertain significance for Inborn genetic diseases. Last evaluated: 2025-05-01. Review status: criteria provided, single submitter. Criteria: Ambry Variant Classification Scheme 2023. Collection method: clinical testing. Allele origin: germline.

Labcorp Genetics (formerly Invitae), Labcorp
Classification: Uncertain significance. Last evaluated: 2021-12-29. Review status: criteria provided, single submitter. Criteria: Invitae Variant Classification Sherloc (09022015). Collection method: clinical testing. Allele origin: germline.
Comment: This variant has not been reported in the literature in individuals affected with SLC34A1-related conditions. This variant is present in population databases (no rsID available, gnomAD 0.006%). This sequence change replaces arginine, which is basic and polar, with leucine, which is neutral and non-polar, at codon 507 of the SLC34A1 protein (p.Arg507Leu). In summary, the available evidence is currently insufficient to determine the role of this variant in disease. Therefore, it has been classified as a Variant of Uncertain Significance. Algorithms developed to predict the effect of missense changes on protein structure and function (SIFT, PolyPhen-2, Align-GVGD) all suggest that this variant is likely to be tolerated.

NM_003052.5(SLC34A1):c.1520G>T (p.Arg507Leu)

Gene: SLC34A1 (solute carrier family 34 member 1; plus strand). Cytogenetic location: 5q35.3.
Variant type: single nucleotide variant.
Coding change: c.1520G>T on transcript NM_003052.5 (MANE Select); coding-DNA position 1520, G replaced by T.
Protein change: p.Arg507Leu; replaces arginine 507 with leucine.
Molecular consequence: missense variant.
Genome position (GRCh38, 1-based): chr5:177,397,886, G>T. VCF-style: chr5-177397886-G-T. GRCh37 (hg19) VCF-style: chr5-176824887-G-T.
Other names: c.1520G>T (NM_003052.4); short protein forms R507L.
Identifiers: ClinVar variation 1957211 (VCV001957211.6), dbSNP rs200137299, ClinGen allele CA362316365.